The following is an entry in ClinVar:

NM_000256.3(MYBPC3):c.1033C>G (p.Leu345Val)

Gene: MYBPC3 (myosin binding protein C3; minus strand). Cytogenetic location: 11p11.2.
Variant type: single nucleotide variant.
Coding change: c.1033C>G on transcript NM_000256.3 (MANE Select); coding-DNA position 1033, C replaced by G.
Protein change: p.Leu345Val; replaces leucine 345 with valine.
Molecular consequence: missense variant.
Genome position (GRCh38, 1-based): chr11:47,346,264, G>C on the plus strand (C>G on the coding strand, the complement: MYBPC3 is on the minus strand). VCF-style: chr11-47346264-G-C. GRCh37 (hg19) VCF-style: chr11-47367815-G-C.
Other names: short protein forms L345V.
Identifiers: ClinVar variation 3230862 (VCV003230862.1), dbSNP rs1348098603, ClinGen allele CA380331270.

ClinVar aggregate classification (germline): Uncertain significance (1 of 4 stars; one submission).

Conditions:
Cardiovascular phenotype. Identifiers: MedGen CN230736.

Submission:

Ambry Genetics
Classification: Uncertain significance for Cardiovascular phenotype. Last evaluated: 2023-12-21. Review status: criteria provided, single submitter. Criteria: Ambry Variant Classification Scheme 2023. Collection method: clinical testing. Allele origin: germline.
Comment: The p.L345V variant (also known as c.1033C>G), located in coding exon 12 of the MYBPC3 gene, results from a C to G substitution at nucleotide position 1033. The leucine at codon 345 is replaced by valine, an amino acid with highly similar properties. This amino acid position is conserved. In addition, the in silico prediction for this alteration is inconclusive. Since supporting evidence is limited at this time, the clinical significance of this alteration remains unclear.